The following is an entry in ClinVar:

NM_000038.6(APC):c.46C>G (p.Leu16Val)

Gene: APC (APC regulator of Wnt signaling pathway; plus strand). Cytogenetic location: 5q22.2.
Variant type: single nucleotide variant.
Coding change: c.46C>G on transcript NM_000038.6 (MANE Select); coding-DNA position 46, C replaced by G.
Protein change: p.Leu16Val; replaces leucine 16 with valine.
Molecular consequence: missense variant. On other transcripts: intron variant (8), 5 prime UTR variant (1).
Genome position (GRCh38, 1-based): chr5:112,754,936, C>G. VCF-style: chr5-112754936-C-G. GRCh37 (hg19) VCF-style: chr5-112090633-C-G.
Other names: c.-42-11390C>G (NM_001354900.2, NM_001354901.2, NM_001354905.2); c.46C>G, p.Leu16Val (NM_001127510.3, NM_001354895.2, NM_001354896.2 and 2 more transcripts); c.-990C>G (NM_001354906.2); c.166-11390C>G (NM_001354897.2, NM_001354902.2, NM_001127511.3); c.61-11390C>G (NM_001354898.2, NM_001354904.2); short protein forms L16V.
Identifiers: ClinVar variation 1437422 (VCV001437422.8), dbSNP rs1057520603, ClinGen allele CA16021440.

ClinVar aggregate classification (germline): Uncertain significance (1 of 4 stars; one submission).

Conditions:
Familial adenomatous polyposis 1 (FAP1). Also called: FAMILIAL ADENOMATOUS POLYPOSIS 1, ATTENUATED; POLYPOSIS, ADENOMATOUS INTESTINAL. Identifiers: MedGen C2713442, MONDO:0021056, OMIM 175100. Disease mechanism: loss of function.

Submission:

Labcorp Genetics (formerly Invitae), Labcorp
Classification: Uncertain significance for Familial adenomatous polyposis 1. Last evaluated: 2021-06-03. Review status: criteria provided, single submitter. Criteria: Invitae Variant Classification Sherloc (09022015). Collection method: clinical testing. Allele origin: germline.
Comment: This sequence change replaces leucine with valine at codon 16 of the APC protein (p.Leu16Val). The leucine residue is highly conserved and there is a small physicochemical difference between leucine and valine. This variant is not present in population databases (ExAC no frequency). This variant has not been reported in the literature in individuals with APC-related conditions. Algorithms developed to predict the effect of missense changes on protein structure and function are either unavailable or do not agree on the potential impact of this missense change (SIFT: "Tolerated"; PolyPhen-2: "Probably Damaging"; Align-GVGD: "Class C0"). In summary, the available evidence is currently insufficient to determine the role of this variant in disease. Therefore, it has been classified as a Variant of Uncertain Significance.